The following is an entry in ClinVar:

NM_001374736.1(DST):c.4929+3811G>A

Gene: DST (dystonin; minus strand). Cytogenetic location: 6p12.1.
Variant type: single nucleotide variant.
Coding change: c.4929+3811G>A on transcript NM_001374736.1 (MANE Select); 3811 bases into the intron after coding-DNA position 4929, G replaced by A.
Molecular consequence: intron variant.
Genome position (GRCh38, 1-based): chr6:56,620,719, C>T on the plus strand (G>A on the coding strand, the complement: DST is on the minus strand). VCF-style: chr6-56620719-C-T. GRCh37 (hg19) VCF-style: chr6-56485517-C-T.
Other names: c.4830+3811G>A (NM_001144769.5); c.4929+3811G>A (NM_001374722.1); c.4956+3811G>A (NM_001374734.1); c.4416+3811G>A (NM_001144770.2); c.4296+3811G>A (NM_001374730.1, NM_001386100.1, NM_183380.4 and 1 more transcripts); c.3318+3811G>A (NM_015548.5); c.3319-4G>A (NM_001723.7).
Identifiers: ClinVar variation 702793 (VCV000702793.35), dbSNP rs146628688, ClinGen allele CA3870733.

ClinVar aggregate classification (germline): Benign/Likely benign. Review status: criteria provided, multiple submitters, no conflicts (2 of 4 stars). 3 submissions from 3 submitters: Benign (1); Likely benign (2). Last evaluated 2025-08-06.

Conditions:
DST-related disorder. Also called: DST-related disorders; DST-related condition.
Hereditary sensory and autonomic neuropathy type 6. Also called: Neuropathy, hereditary sensory and autonomic, type VI; HSAN VI. Identifiers: Orphanet 314381, MedGen C3539003, MONDO:0013839, OMIM 614653.
Epidermolysis bullosa simplex 3, localized or generalized intermediate, with BP230 deficiency (EBS3). Also called: Epidermolysis bullosa simplex, autosomal recessive 2; Epidermolysis bullosa simplex due to BP230 deficiency. Identifiers: Orphanet 412181, MedGen C3809470, MONDO:0014180, OMIM 615425.

Allele frequency attached by ClinVar (database versions not stated): gnomAD exomes 0.00012 and 0.00035; ExAC 0.00035; gnomAD 0.00117 and 0.00121; TOPMed 0.00121; ESP Exome Variant Server 0.00123; 1000 Genomes Project 0.00280; 1000 Genomes Project 30x 0.00328.
gnomAD v4.1: 356 of 1,612,048 alleles (0.022%); highest among the groups gnomAD compares: African/African-American, 0.42%; no homozygotes.

Submissions (3):

Labcorp Genetics (formerly Invitae), Labcorp
Classification: Benign for Epidermolysis bullosa simplex 3, localized or generalized intermediate, with BP230 deficiency; Hereditary sensory and autonomic neuropathy type 6. Last evaluated: 2025-08-06. Review status: criteria provided, single submitter. Criteria: Invitae Variant Classification Sherloc (09022015). Collection method: clinical testing. Allele origin: germline.

PreventionGenetics, part of Exact Sciences
Classification: Likely benign for DST-related condition. Last evaluated: 2025-03-30. Review status: criteria provided, single submitter. Criteria: ACMG Guidelines, 2015. Collection method: clinical testing. Allele origin: germline.
Comment: This variant is classified as likely benign based on ACMG/AMP sequence variant interpretation guidelines (Richards et al. 2015 PMID: 25741868, with internal and published modifications).

CeGaT Center for Human Genetics Tuebingen
Classification: Likely benign. Last evaluated: 2022-05-01. Review status: criteria provided, single submitter. Criteria: CeGaT Center For Human Genetics Tuebingen Variant Classification Criteria Version 2. Collection method: clinical testing. Allele origin: germline. Affected: yes. Observed: 1 variant allele.
Comment: DST: BP4